The following is an entry in ClinVar:

NM_001349798.2(FBXW7):c.270C>A (p.Asp90Glu)

Gene: FBXW7 (F-box and WD repeat domain containing 7; minus strand). Cytogenetic location: 4q31.3.
Variant type: single nucleotide variant.
Coding change: c.270C>A on transcript NM_001349798.2 (MANE Select); coding-DNA position 270, C replaced by A.
Protein change: p.Asp90Glu; replaces aspartic acid 90 with glutamic acid.
Molecular consequence: missense variant.
Genome position (GRCh38, 1-based): chr4:152,411,534, G>T on the plus strand (C>A on the coding strand, the complement: FBXW7 is on the minus strand). VCF-style: chr4-152411534-G-T. GRCh37 (hg19) VCF-style: chr4-153332686-G-T.
Other names: c.270C>A, p.Asp90Glu (NM_001257069.1, NM_033632.3); short protein forms D90E.
Identifiers: ClinVar variation 1809897 (VCV001809897.1), dbSNP rs1737968102, ClinGen allele CA358620311.

ClinVar aggregate classification (germline): Uncertain significance (1 of 4 stars; one submission).

Allele frequency attached by ClinVar (database versions not stated): gnomAD exomes below 0.00001; TOPMed below 0.00001; gnomAD 0.00001.
gnomAD v4.1: 2 of 1,613,718 alleles (0.00012%); highest among the groups gnomAD compares: Non-Finnish European, 0.00017%; no homozygotes.

Submission:

GeneDx
Classification: Uncertain significance. Last evaluated: 2022-06-30. Review status: criteria provided, single submitter. Criteria: GeneDx Variant Classification Process June 2021. Collection method: clinical testing. Allele origin: germline. Affected: yes.
Comment: Not observed at significant frequency in large population cohorts (gnomAD); In silico analysis supports that this missense variant does not alter protein structure/function; Has not been previously published as pathogenic or benign to our knowledge